The following is an entry in ClinVar:

NM_152564.5(VPS13B):c.7090G>C (p.Val2364Leu)

Gene: VPS13B (vacuolar protein sorting 13 homolog B; plus strand). Cytogenetic location: 8q22.2.
Variant type: single nucleotide variant.
Coding change: c.7090G>C on transcript NM_152564.5 (MANE Select); coding-DNA position 7090, G replaced by C.
Protein change: p.Val2364Leu; replaces valine 2364 with leucine.
Molecular consequence: missense variant.
Genome position (GRCh38, 1-based): chr8:99,766,813, G>C. VCF-style: chr8-99766813-G-C. GRCh37 (hg19) VCF-style: chr8-100779041-G-C.
Other names: c.7165G>C, p.Val2389Leu (NM_017890.5); short protein forms V2364L, V2389L.
Identifiers: ClinVar variation 3344434 (VCV003344434.2).

ClinVar aggregate classification (germline): Uncertain significance. Review status: no assertion criteria provided (0 of 4 stars). 2 submissions from 2 submitters: Uncertain significance (2). Last evaluated 2025-01-24.

Conditions:
VPS13B-related disorder. Also called: VPS13B-related condition.
Cohen syndrome (COH1). Also called: PEPPER SYNDROME; Cutis verticis gyrata, retinitis pigmentosa, and sensorineural deafness. Identifiers: Orphanet 193, MedGen C0265223, MONDO:0008999, OMIM 216550.

gnomAD v4.1: 1 of 1,613,932 alleles (0.000062%); highest among the groups gnomAD compares: Admixed American, 0.0017%; no homozygotes.

Submissions (2):

Natera, Inc.
Classification: Uncertain significance for Cohen syndrome. Last evaluated: 2025-01-24. Review status: no assertion criteria provided. Collection method: clinical testing. Allele origin: germline.

PreventionGenetics, part of Exact Sciences
Classification: Uncertain significance for VPS13B-related condition. Last evaluated: 2024-09-04. Review status: no assertion criteria provided. Collection method: clinical testing. Allele origin: germline.
Comment: The VPS13B c.7090G>C variant is predicted to result in the amino acid substitution p.Val2364Leu. To our knowledge, this variant has not been reported in the literature or in a large population database, indicating this variant is rare. At this time, the clinical significance of this variant is uncertain due to the absence of conclusive functional and genetic evidence.